The following is an entry in ClinVar:

NM_000406.3(GNRHR):c.718C>T (p.Arg240Trp)

Gene: GNRHR (gonadotropin releasing hormone receptor; minus strand). Cytogenetic location: 4q13.2.
Variant type: single nucleotide variant.
Coding change: c.718C>T on transcript NM_000406.3 (MANE Select); coding-DNA position 718, C replaced by T.
Protein change: p.Arg240Trp; replaces arginine 240 with tryptophan.
Molecular consequence: missense variant.
Genome position (GRCh38, 1-based): chr4:67,744,592, G>A on the plus strand (C>T on the coding strand, the complement: GNRHR is on the minus strand). VCF-style: chr4-67744592-G-A. GRCh37 (hg19) VCF-style: chr4-68610310-G-A.
Other names: c.590C>T, p.Thr197Met (NM_001012763.2); short protein forms R240W, T197M.
Identifiers: ClinVar variation 3233634 (VCV003233634.2), dbSNP rs200026876, ClinGen allele CA2938884.
Genomic context (GRCh38, chr4:67,744,592, plus strand): 5'-TGCCCACAAATGACACTAACTCTAAGGAATACATACCGTGGGGGTCCTGATGAAGGACCC[G>A]TGTCAGGGTGAAGATGATTTTTGCATTGCAGATCAGCATGATGAAAAGAGGGATGATGAA-3'
Protein context (NP_000397.1, residues 230-250): CNAKIIFTLT[Arg240Trp]VLHQDPHELQ

ClinVar aggregate classification (germline): Uncertain significance (1 of 4 stars; one submission).

Allele frequency attached by ClinVar (database versions not stated): ExAC 0.00001; TOPMed 0.00001.

Submission:

Women's Health and Genetics/Laboratory Corporation of America, LabCorp
Classification: Uncertain significance. Last evaluated: 2024-03-06. Review status: criteria provided, single submitter. Criteria: LabCorp Variant Classification Summary - May 2015. Collection method: clinical testing. Allele origin: germline.
Comment: Variant summary: GNRHR c.718C>T (p.Arg240Trp) results in a non-conservative amino acid change located in the GPCR, rhodopsin-like, 7TM domain (IPR017452) of the encoded protein sequence. Four of five in-silico tools predict a damaging effect of the variant on protein function. The frequency data for this variant in gnomAD is considered unreliable, as metrics indicate poor data quality at this position. c.718C>T has been reported in the literature in at least one heterozygous individual affected with hypogonadotropic hypogonadism (e.g., Federici_2022). However, these report(s) do not provide unequivocal conclusions about association of the variant with Hypogonadotropic Hypogonadism 7 With Or Without Anosmia. To our knowledge, no experimental evidence demonstrating an impact on protein function has been reported. The following publication have been ascertained in the context of this evaluation (PMID: 36531499). No submitters have cited clinical-significance assessments for this variant to ClinVar. Based on the evidence outlined above, the variant was classified as uncertain significance.

Literature cited by the submitters: PubMed 36531499.